The following is an entry in ClinVar:

NC_000017.11:g.(?_43067588)_(43125483_?)del

Genes: BRCA1 (BRCA1 DNA repair associated; minus strand), LOC111589215 (BRCA1 promoter region; plus strand), LOC126862571 (BRD4-independent group 4 enhancer GRCh37_chr17:41243136-41244335; plus strand), LOC110485084 (BRCA1 intronic recombination region; plus strand), LOC111589216 (BRCA1 intron 2 regulatory region; plus strand). Cytogenetic location: 17q21.31.
Variant type: Deletion.
Identifiers: ClinVar variation 650186 (VCV000650186.3).

ClinVar aggregate classification (germline): Pathogenic (1 of 4 stars; one submission).

Conditions:
Hereditary breast ovarian cancer syndrome. Also called: Breast and ovarian cancer; BRCA1- and BRCA2-Associated Hereditary Breast and Ovarian Cancer; Hereditary breast and ovarian cancer; Hereditary breast and ovarian cancer syndrome (HBOC); Hereditary breast and/or ovarian cancer syndrome; Hereditary breast and ovarian cancer syndrome. Identifiers: Orphanet 145, MedGen C0677776, MeSH D061325, MONDO:0003582. Disease mechanism: loss of function.

Submission:

Labcorp Genetics (formerly Invitae), Labcorp
Classification: Pathogenic for Hereditary breast ovarian cancer syndrome. Last evaluated: 2022-09-04. Review status: criteria provided, single submitter. Criteria: Invitae Variant Classification Sherloc (09022015). Collection method: clinical testing. Allele origin: germline.
Comment: This variant is a gross deletion of the genomic region encompassing exon(s) 1-16 of the BRCA1 gene, which includes the initiator codon. This deletion extends beyond the assayed region for this gene and therefore may encompass additional genes. It is expected to result in an absent or disrupted protein product. Loss-of-function variants in BRCA1 are known to be pathogenic (PMID: 20104584). A similar copy number variant has been observed in individual(s) with breast and/or ovarian cancer (PMID: 18330910, 20135348, 28595730). This variant is also known as deletions of exons 1-17. For these reasons, this variant has been classified as Pathogenic.

Literature cited by the submitters: PubMed 20104584; PubMed 18330910; PubMed 20135348; PubMed 28595730.